The following is an entry in ClinVar:

ClinVar aggregate classification (germline): Uncertain significance (1 of 4 stars; one submission).

Submission:

Labcorp Genetics (formerly Invitae), Labcorp
Classification: Uncertain significance. Last evaluated: 2025-03-31. Review status: criteria provided, single submitter. Criteria: Invitae Variant Classification Sherloc (09022015). Collection method: clinical testing. Allele origin: germline.
Comment: This sequence change replaces alanine, which is neutral and non-polar, with threonine, which is neutral and polar, at codon 134 of the HTRA1 protein (p.Ala134Thr). This variant is not present in population databases (gnomAD no frequency). This variant has not been reported in the literature in individuals affected with HTRA1-related conditions. ClinVar contains an entry for this variant (Variation ID: 1348076). Invitae Evidence Modeling of protein sequence and biophysical properties (such as structural, functional, and spatial information, amino acid conservation, physicochemical variation, residue mobility, and thermodynamic stability) indicates that this missense variant is not expected to disrupt HTRA1 protein function with a negative predictive value of 95%. In summary, the available evidence is currently insufficient to determine the role of this variant in disease. Therefore, it has been classified as a Variant of Uncertain Significance.

NM_002775.5(HTRA1):c.400G>A (p.Ala134Thr)

Gene: HTRA1 (HtrA serine peptidase 1; plus strand). Cytogenetic location: 10q26.13.
Variant type: single nucleotide variant.
Coding change: c.400G>A on transcript NM_002775.5 (MANE Select); coding-DNA position 400, G replaced by A.
Protein change: p.Ala134Thr; replaces alanine 134 with threonine.
Molecular consequence: missense variant.
Genome position (GRCh38, 1-based): chr10:122,462,052, G>A. VCF-style: chr10-122462052-G-A. GRCh37 (hg19) VCF-style: chr10-124221568-G-A.
Other names: short protein forms A134T.
Identifiers: ClinVar variation 1348076 (VCV001348076.6), dbSNP rs2133905461, ClinGen allele CA378606342.